The following is an entry in ClinVar:

NM_000466.3(PEX1):c.3428C>G (p.Ser1143Cys)

Genes: PEX1 (peroxisomal biogenesis factor 1; minus strand), GATAD1 (GATA zinc finger domain containing 1; plus strand). Cytogenetic location: 7q21.2.
Variant type: single nucleotide variant.
Coding change: c.3428C>G on transcript NM_000466.3 (MANE Select); coding-DNA position 3428, C replaced by G.
Protein change: p.Ser1143Cys; replaces serine 1143 with cysteine.
Molecular consequence: missense variant.
Genome position (GRCh38, 1-based): chr7:92,491,282, G>C on the plus strand (C>G on the coding strand, the complement: PEX1 is on the minus strand). VCF-style: chr7-92491282-G-C. GRCh37 (hg19) VCF-style: chr7-92120596-G-C.
Other names: c.3257C>G, p.Ser1086Cys (NM_001282677.2); c.2804C>G, p.Ser935Cys (NM_001282678.2); short protein forms S1086C, S1143C, S935C.
Identifiers: ClinVar variation 1015437 (VCV001015437.8), dbSNP rs1198978658, ClinGen allele CA368163279.

ClinVar aggregate classification (germline): Uncertain significance. Review status: criteria provided, single submitter (1 of 4 stars). 2 submissions from 2 submitters: Uncertain significance (1). 1 of the submissions does not count toward it. Last evaluated 2021-10-27.

Conditions:
Zellweger spectrum disorders (ZS). Also called: Zellweger Spectrum Disorder; Zellweger Spectrum; Zellweger Spectrum Disorder (ZSD); Zellweger syndrome. Identifiers: Orphanet 912, MedGen C0043459, MONDO:0019609.

Allele frequency attached by ClinVar (database versions not stated): gnomAD exomes below 0.00001; gnomAD 0.00002; TOPMed 0.00002.
gnomAD v4.1: 6 of 1,598,416 alleles (0.00038%); highest among the groups gnomAD compares: Admixed American, 0.005%; no homozygotes.

Submissions (2):

Labcorp Genetics (formerly Invitae), Labcorp
Classification: Uncertain significance for Zellweger spectrum disorders. Last evaluated: 2021-10-27. Review status: criteria provided, single submitter. Criteria: Invitae Variant Classification Sherloc (09022015). Collection method: clinical testing. Allele origin: germline.
Comment: This sequence change replaces serine, a(n) neutral and polar amino acid, with cysteine, a(n) neutral and slightly polar amino acid, at codon 1143 of the PEX1 protein (p.Ser1143Cys). This variant is present in population databases (no rsID available, gnomAD 0.003%). This variant has not been reported in the literature in individuals affected with PEX1-related conditions. ClinVar contains an entry for this variant (Variation ID: 1015437). Advanced modeling of protein sequence and biophysical properties (such as structural, functional, and spatial information, amino acid conservation, physicochemical variation, residue mobility, and thermodynamic stability) performed at Invitae indicates that this missense variant is not expected to disrupt PEX1 protein function. In summary, the available evidence is currently insufficient to determine the role of this variant in disease. Therefore, it has been classified as a Variant of Uncertain Significance.

Natera, Inc.
Classification: Uncertain significance for Zellweger syndrome. Last evaluated: 2019-02-08. Review status: no assertion criteria provided. Collection method: clinical testing. Allele origin: germline. Not counted in ClinVar's aggregate classification.